The following is an entry in ClinVar:

ClinVar aggregate classification (germline): Conflicting classifications of pathogenicity. Review status: criteria provided, conflicting classifications (1 of 4 stars). 5 submissions from 5 submitters: Uncertain significance (4); Benign (1). Last evaluated 2026-04-17.

Conditions:
Juvenile polyposis syndrome (JPS). Identifiers: Orphanet 2929, MedGen C0345893, MONDO:0017380, OMIM 174900.
Hereditary cancer-predisposing syndrome. Also called: Neoplastic Syndromes, Hereditary; Hereditary neoplastic syndrome; Tumor predisposition; Hereditary Cancer Syndrome. Identifiers: Orphanet 140162, MedGen C0027672, MeSH D009386, MONDO:0015356.
Familial thoracic aortic aneurysm and aortic dissection (TAAD). Also called: Thoracic aortic aneurysms and dissections. Identifiers: Orphanet 91387, MedGen C4707243, MONDO:0019625.
Juvenile polyposis/hereditary hemorrhagic telangiectasia syndrome (JPHT). Also called: POLYPOSIS, GENERALIZED JUVENILE, WITH PULMONARY ARTERIOVENOUS MALFORMATION; TELANGIECTASIA, HEREDITARY HEMORRHAGIC, WITH JUVENILE POLYPOSIS COLI; Juvenile Polyposis Syndrome / Hereditary Hemorrhagic Telangiectasia (JPS/HHT); JP/HHT SYNDROME; JUVENILE POLYPOSIS WITH HEREDITARY HEMORRHAGIC TELANGIECTASIA. Identifiers: Orphanet 2929, MedGen C1832942, MONDO:0008278, OMIM 175050.

gnomAD v4.1: 3 of 1,614,116 alleles (0.00019%); highest among the groups gnomAD compares: Admixed American, 0.005%; no homozygotes.

Submissions (5):

Women's Health and Genetics/Laboratory Corporation of America, LabCorp
Classification: Uncertain significance. Last evaluated: 2026-04-17. Review status: criteria provided, single submitter. Criteria: LabCorp Variant Classification Summary - May 2015. Collection method: clinical testing. Allele origin: germline.
Comment: Variant summary: SMAD4 c.746A>G (p.Gln249Arg) results in a conservative amino acid change in the encoded protein sequence. Algorithms developed to predict the effect of missense changes on protein structure and function are either unavailable or do not agree on the potential impact of this missense change. The variant allele was found at a frequency of 8e-06 in 251450 control chromosomes. The available data on variant occurrences in the general population are insufficient to allow any conclusion about variant significance. To our knowledge, no occurrence of c.746A>G in individuals affected with SMAD4-related conditions and no experimental evidence demonstrating its impact on protein function have been reported. ClinVar contains an entry for this variant (Variation ID: 925520). Based on the evidence outlined above, the variant was classified as uncertain significance.

Labcorp Genetics (formerly Invitae), Labcorp
Classification: Uncertain significance for Juvenile polyposis syndrome. Last evaluated: 2025-10-13. Review status: criteria provided, single submitter. Criteria: Invitae Variant Classification Sherloc (09022015). Collection method: clinical testing. Allele origin: germline.
Comment: This sequence change replaces glutamine, which is neutral and polar, with arginine, which is basic and polar, at codon 249 of the SMAD4 protein (p.Gln249Arg). This variant is present in population databases (no rsID available, gnomAD 0.006%). This variant has not been reported in the literature in individuals affected with SMAD4-related conditions. ClinVar contains an entry for this variant (Variation ID: 925520). Invitae Evidence Modeling of protein sequence and biophysical properties (such as structural, functional, and spatial information, amino acid conservation, physicochemical variation, residue mobility, and thermodynamic stability) indicates that this missense variant is not expected to disrupt SMAD4 protein function with a negative predictive value of 95%. In summary, the available evidence is currently insufficient to determine the role of this variant in disease. Therefore, it has been classified as a Variant of Uncertain Significance.

Ambry Genetics
Classification: Benign for Hereditary cancer-predisposing syndrome; Familial thoracic aortic aneurysm and aortic dissection. Last evaluated: 2024-11-20. Review status: criteria provided, single submitter. Criteria: Ambry Variant Classification Scheme 2023. Collection method: clinical testing. Allele origin: germline.

All of Us Research Program, National Institutes of Health
Classification: Uncertain significance for Juvenile polyposis/hereditary hemorrhagic telangiectasia syndrome. Last evaluated: 2024-09-13. Review status: criteria provided, single submitter. Criteria: ACMG Guidelines, 2015. Collection method: clinical testing. Allele origin: germline. Inheritance: Autosomal dominant inheritance. Observed: 1 variant allele, 1 heterozygote.
Comment: This missense variant replaces glutamine with arginine at codon 249 of the SMAD4 protein. Computational prediction tool suggests that this variant may not impact protein structure and function (internally defined REVEL score threshold <=0.5, PMID: 27666373). Splice site prediction tools suggest that this variant may not impact RNA splicing. To our knowledge, functional studies have not been performed for this variant. This variant has not been reported in individuals affected with hereditary cancer in the literature. This variant has been identified in 2/251450 chromosomes in the general population by the Genome Aggregation Database (gnomAD). The available evidence is insufficient to determine the role of this variant in disease conclusively. Therefore, this variant is classified as a Variant of Uncertain Significance.

This study involves interpretation of variants in research participants for the purpose of population health screening. Participant phenotype was not available at the time of variant classification. Additional details can be found in publication PMID: 35346344, PMCID: PMC8962531

Color Diagnostics, LLC DBA Color Health
Classification: Uncertain significance for Hereditary cancer-predisposing syndrome. Last evaluated: 2024-03-06. Review status: criteria provided, single submitter. Criteria: ACMG Guidelines, 2015. Collection method: clinical testing. Allele origin: germline.
Comment: This missense variant replaces glutamine with arginine at codon 249 of the SMAD4 protein. Computational prediction tool suggests that this variant may not impact protein structure and function (internally defined REVEL score threshold <=0.5, PMID: 27666373). Splice site prediction tools suggest that this variant may not impact RNA splicing. To our knowledge, functional studies have not been performed for this variant. This variant has not been reported in individuals affected with hereditary cancer in the literature. This variant has been identified in 2/251450 chromosomes in the general population by the Genome Aggregation Database (gnomAD). The available evidence is insufficient to determine the role of this variant in disease conclusively. Therefore, this variant is classified as a Variant of Uncertain Significance.

NM_005359.6(SMAD4):c.746A>G (p.Gln249Arg)

Gene: SMAD4 (SMAD family member 4; plus strand). Cytogenetic location: 18q21.2.
Variant type: single nucleotide variant.
Coding change: c.746A>G on transcript NM_005359.6 (MANE Select); coding-DNA position 746, A replaced by G.
Protein change: p.Gln249Arg; replaces glutamine 249 with arginine.
Molecular consequence: missense variant.
Genome position (GRCh38, 1-based): chr18:51,058,203, A>G. VCF-style: chr18-51058203-A-G. GRCh37 (hg19) VCF-style: chr18-48584573-A-G.
Other names: short protein forms Q249R.
Identifiers: ClinVar variation 925520 (VCV000925520.10), dbSNP rs371536364, ClinGen allele CA402462950.